The following is an entry in ClinVar:

NM_000038.6(APC):c.6970C>A (p.Pro2324Thr)

Gene: APC (APC regulator of Wnt signaling pathway; plus strand). Cytogenetic location: 5q22.2.
Variant type: single nucleotide variant.
Coding change: c.6970C>A on transcript NM_000038.6 (MANE Select); coding-DNA position 6970, C replaced by A.
Protein change: p.Pro2324Thr; replaces proline 2324 with threonine.
Molecular consequence: missense variant.
Genome position (GRCh38, 1-based): chr5:112,842,564, C>A. VCF-style: chr5-112842564-C-A. GRCh37 (hg19) VCF-style: chr5-112178261-C-A.
Other names: c.6970C>A, p.Pro2324Thr (NM_001127510.3, NM_001354895.2); c.6916C>A, p.Pro2306Thr (NM_001127511.3); c.7024C>A, p.Pro2342Thr (NM_001354896.2); c.7000C>A, p.Pro2334Thr (NM_001354897.2); c.6895C>A, p.Pro2299Thr (NM_001354898.2); c.6886C>A, p.Pro2296Thr (NM_001354899.2); c.6847C>A, p.Pro2283Thr (NM_001354900.2); c.6793C>A, p.Pro2265Thr (NM_001354901.2); and 5 more; short protein forms P2324T, P2306T, P2164T, P2265T, P2299T, P2198T, P2283T, P2334T.
Identifiers: ClinVar variation 482448 (VCV000482448.5), dbSNP rs770250821, ClinGen allele CA16036529.

ClinVar aggregate classification (germline): Uncertain significance (1 of 4 stars; one submission).

Conditions:
Hereditary cancer-predisposing syndrome. Also called: Neoplastic Syndromes, Hereditary; Tumor predisposition; Hereditary Cancer Syndrome; Hereditary neoplastic syndrome. Identifiers: Orphanet 140162, MedGen C0027672, MeSH D009386, MONDO:0015356.

Submission:

Ambry Genetics
Classification: Uncertain significance for Hereditary cancer-predisposing syndrome. Last evaluated: 2017-02-27. Review status: criteria provided, single submitter. Criteria: Ambry Variant Classification Scheme 2023. Collection method: clinical testing. Allele origin: germline.
Comment: The p.P2324T variant (also known as c.6970C>A), located in coding exon 15 of the APC gene, results from a C to A substitution at nucleotide position 6970. The proline at codon 2324 is replaced by threonine, an amino acid with highly similar properties. This amino acid position is highly conserved in available vertebrate species. In addition, in silico predictors for this gene do not accurately predict pathogenicity. Since supporting evidence is limited at this time, the clinical significance of this alteration remains unclear.